The following is an entry in ClinVar:

ClinVar aggregate classification (germline): Uncertain significance (1 of 4 stars; one submission).

Submission:

GeneDx
Classification: Uncertain significance. Last evaluated: 2025-01-12. Review status: criteria provided, single submitter. Criteria: GeneDx Variant Classification Process June 2021. Collection method: clinical testing. Allele origin: germline. Affected: yes.
Comment: Not observed at significant frequency in large population cohorts (gnomAD); Nonsense variant predicted to result in protein truncation or nonsense mediated decay in a gene or region of a gene for which loss of function is not a well-established mechanism of disease; Has not been previously published as pathogenic or benign to our knowledge

NM_001367479.1(DNAH14):c.6289A>T (p.Lys2097Ter)

Gene: DNAH14 (dynein axonemal heavy chain 14; plus strand). Cytogenetic location: 1q42.12.
Variant type: single nucleotide variant.
Coding change: c.6289A>T on transcript NM_001367479.1 (MANE Select); coding-DNA position 6289, A replaced by T.
Protein change: p.Lys2097Ter; replaces lysine 2097 with a stop codon.
Molecular consequence: nonsense.
Genome position (GRCh38, 1-based): chr1:225,207,070, A>T. VCF-style: chr1-225207070-A-T. GRCh37 (hg19) VCF-style: chr1-225394772-A-T.
Other names: NM_001373.1:c.6223A>T; short protein forms K2097*.
Identifiers: ClinVar variation 4057098 (VCV004057098.1).
Genomic context (GRCh38, chr1:225,207,070, plus strand): 5'-CTTCTGAAAACTTCTAAAATTATAAGTCAATCAGGAGTGGATTGTCTTGAATTCATGATT[A>T]AAAATAGTGTCACAGACGGACTACAATTTATAAGGAATCGTCAGAAATTTCAGCCATATC-3'